The following is an entry in ClinVar:

NM_000350.3(ABCA4):c.4102C>T (p.Arg1368Cys)

Gene: ABCA4 (ATP binding cassette subfamily A member 4; minus strand). Cytogenetic location: 1p22.1.
Variant type: single nucleotide variant.
Coding change: c.4102C>T on transcript NM_000350.3 (MANE Select); coding-DNA position 4102, C replaced by T.
Protein change: p.Arg1368Cys; replaces arginine 1368 with cysteine.
Molecular consequence: missense variant.
Genome position (GRCh38, 1-based): chr1:94,031,804, G>A on the plus strand (C>T on the coding strand, the complement: ABCA4 is on the minus strand). VCF-style: chr1-94031804-G-A. GRCh37 (hg19) VCF-style: chr1-94497360-G-A.
Other names: c.3880C>T, p.Arg1294Cys (NM_001425324.1); short protein forms R1368C, R1294C.
Identifiers: ClinVar variation 1457682 (VCV001457682.8), dbSNP rs1183074086, ClinGen allele CA341286798.

ClinVar aggregate classification (germline): Pathogenic/Likely pathogenic. Review status: criteria provided, multiple submitters, no conflicts (2 of 4 stars). 4 submissions from 4 submitters: Pathogenic (3); Likely pathogenic (1). Last evaluated 2024-03-14.

Conditions:
ABCA4-related disorder. Also called: ABCA4-related disorders; ABCA4-related condition. Identifiers: MedGen CN239167.
Stargardt disease (FFM). Also called: Fundus flavimaculatus; Stargardt's disease. Identifiers: Orphanet 827, MedGen C0271093, MONDO:0019353.
Retinal dystrophy. Also called: Inherited retinal dystrophy. Identifiers: Orphanet 71862, MedGen C0854723, MeSH D058499, MONDO:0019118, HP:0000556.

Allele frequency attached by ClinVar (database versions not stated): gnomAD exomes below 0.00001.
gnomAD v4.1: 6 of 1,613,938 alleles (0.00037%); highest among the groups gnomAD compares: African/African-American, 0.0013%; no homozygotes.

Submissions (4):

Labcorp Genetics (formerly Invitae), Labcorp
Classification: Pathogenic. Last evaluated: 2024-03-14. Review status: criteria provided, single submitter. Criteria: Invitae Variant Classification Sherloc (09022015). Collection method: clinical testing. Allele origin: germline.
Comment: This sequence change replaces arginine, which is basic and polar, with cysteine, which is neutral and slightly polar, at codon 1368 of the ABCA4 protein (p.Arg1368Cys). This variant is present in population databases (no rsID available, gnomAD 0.0009%). This missense change has been observed in individuals with ABCA4-related conditions (PMID: 22229821). ClinVar contains an entry for this variant (Variation ID: 1457682). Advanced modeling of protein sequence and biophysical properties (such as structural, functional, and spatial information, amino acid conservation, physicochemical variation, residue mobility, and thermodynamic stability) performed at Invitae indicates that this missense variant is expected to disrupt ABCA4 protein function with a positive predictive value of 95%. This variant disrupts the p.Arg1368 amino acid residue in ABCA4. Other variant(s) that disrupt this residue have been determined to be pathogenic (Invitae). This suggests that this residue is clinically significant, and that variants that disrupt this residue are likely to be disease-causing. For these reasons, this variant has been classified as Pathogenic.

Women's Health and Genetics/Laboratory Corporation of America, LabCorp
Classification: Pathogenic for Stargardt disease. Last evaluated: 2023-08-28. Review status: criteria provided, single submitter. Criteria: LabCorp Variant Classification Summary - May 2015. Collection method: clinical testing. Allele origin: germline.
Comment: Variant summary: ABCA4 c.4102C>T (p.Arg1368Cys) results in a non-conservative amino acid change in the encoded protein sequence. Five of five in-silico tools predict a damaging effect of the variant on protein function. The variant allele was found at a frequency of 4e-06 in 249432 control chromosomes. c.4102C>T has been reported in the literature along with at-least five different apparently pathogenic variants in multiple individuals affected with Stargardt Disease (STGD), inherited retinal dystrophies or retinal dystrophy (examples, Duno_2012, Bertelsen_2014, Hanany_2020, Jiang_2015, Saleh_2021), and has been reported to be enriched in 3928 likely Caucasian STGD1 patients compared to the non-Finnish ExAC population (Cornelis_2017). These data indicate that the variant is very likely to be associated with disease. To our knowledge, no experimental evidence demonstrating an impact on protein function has been reported. The following publications have been ascertained in the context of this evaluation (PMID: 24713488, 22229821, 31964843, 26780318, 28044389, Saleh_2021 without PMID). One submitter has cited clinical-significance assessments for this variant to ClinVar after 2014 and has classified the variant as pathogenic. Based on the evidence outlined above, the variant was classified as pathogenic.

Blueprint Genetics
Classification: Pathogenic for ABCA4-related disorders. Last evaluated: 2021-09-06. Review status: criteria provided, single submitter. Criteria: ACMG Guidelines, 2015. Collection method: clinical testing. Allele origin: germline. Affected: yes. Observed: 1 variant allele.

Institute of Human Genetics, Univ. Regensburg, Univ. Regensburg
Classification: Likely pathogenic for Retinal dystrophy. Last evaluated: 2020-01-01. Review status: criteria provided, single submitter. Criteria: ACMG Guidelines, 2015. Collection method: clinical testing. Allele origin: germline. Affected: yes.

Literature cited by the submitters: PubMed 22229821 (cited by 3 submitters); PubMed 31964843 (cited by Women's Health and Genetics/Laboratory Corporation of America, LabCorp and Institute of Human Genetics, Univ. Regensburg, Univ. Regensburg); PubMed 24713488 (cited by Women's Health and Genetics/Laboratory Corporation of America, LabCorp and Institute of Human Genetics, Univ. Regensburg, Univ. Regensburg); PubMed 26780318 (cited by Women's Health and Genetics/Laboratory Corporation of America, LabCorp); PubMed 28044389 (cited by Women's Health and Genetics/Laboratory Corporation of America, LabCorp); PubMed 34426522 (cited by Institute of Human Genetics, Univ. Regensburg, Univ. Regensburg).